The following is an entry in ClinVar:

ClinVar aggregate classification (germline): Uncertain significance (1 of 4 stars; one submission).

Conditions:
Arrhythmogenic right ventricular dysplasia 8 (ARVD8). Also called: Arrhythmogenic Right Ventricular Dysplasia/Cardiomyopathy 8; ARRHYTHMOGENIC RIGHT VENTRICULAR DYSPLASIA, FAMILIAL, 8; ARRHYTHMOGENIC RIGHT VENTRICULAR CARDIOMYOPATHY 8. Identifiers: MedGen C1843896, MONDO:0011831, OMIM 607450.
Arrhythmogenic cardiomyopathy with wooly hair and keratoderma. Also called: Carvajal syndrome; PALMOPLANTAR KERATODERMA WITH LEFT VENTRICULAR CARDIOMYOPATHY AND WOOLLY HAIR; Dilated cardiomyopathy with woolly hair and keratoderma; Arrhythmogenic cardiomyopathy with woolly hair and keratoderma. Identifiers: Orphanet 65282, MedGen C1854063, MONDO:0011581, OMIM 605676.

Allele frequency attached by ClinVar (database versions not stated): ExAC 0.00001.

Submission:

Labcorp Genetics (formerly Invitae), Labcorp
Classification: Uncertain significance for Arrhythmogenic cardiomyopathy with wooly hair and keratoderma; Arrhythmogenic right ventricular dysplasia 8. Last evaluated: 2021-10-07. Review status: criteria provided, single submitter. Criteria: Invitae Variant Classification Sherloc (09022015). Collection method: clinical testing. Allele origin: germline.
Comment: In summary, the available evidence is currently insufficient to determine the role of this variant in disease. Therefore, it has been classified as a Variant of Uncertain Significance. Algorithms developed to predict the effect of missense changes on protein structure and function are either unavailable or do not agree on the potential impact of this missense change (SIFT: "Deleterious"; PolyPhen-2: "Benign"; Align-GVGD: "Class C0"). This variant has not been reported in the literature in individuals affected with DSP-related conditions. The frequency data for this variant in the population databases is considered unreliable, as metrics indicate poor data quality at this position in the ExAC database. This sequence change replaces cysteine with tyrosine at codon 3 of the DSP protein (p.Cys3Tyr). The cysteine residue is moderately conserved and there is a large physicochemical difference between cysteine and tyrosine.

NM_004415.4(DSP):c.8G>A (p.Cys3Tyr)

Genes: DSP-AS1 (DSP antisense RNA 1; minus strand), DSP (desmoplakin; plus strand). Cytogenetic location: 6p24.3.
Variant type: single nucleotide variant.
Coding change: c.8G>A on transcript NM_004415.4 (MANE Select); coding-DNA position 8, G replaced by A.
Protein change: p.Cys3Tyr; replaces cysteine 3 with tyrosine.
Molecular consequence: missense variant.
Genome position (GRCh38, 1-based): chr6:7,541,923, G>A. VCF-style: chr6-7541923-G-A. GRCh37 (hg19) VCF-style: chr6-7542156-G-A.
Other names: c.8G>A, p.Cys3Tyr (NM_001008844.3, NM_001319034.2); short protein forms C3Y.
Identifiers: ClinVar variation 1357621 (VCV001357621.6), dbSNP rs760993985, ClinGen allele CA052985.